The following is an entry in ClinVar:

NM_001194.4(HCN2):c.1206C>G (p.Ile402Met)

Gene: HCN2 (hyperpolarization activated cyclic nucleotide gated potassium and sodium channel 2; plus strand). Cytogenetic location: 19p13.3.
Variant type: single nucleotide variant.
Coding change: c.1206C>G on transcript NM_001194.4 (MANE Select); coding-DNA position 1206, C replaced by G.
Protein change: p.Ile402Met; replaces isoleucine 402 with methionine.
Molecular consequence: missense variant.
Genome position (GRCh38, 1-based): chr19:605,210, C>G. VCF-style: chr19-605210-C-G. GRCh37 (hg19) VCF-style: chr19-605210-C-G.
Other names: short protein forms I402M.
Identifiers: ClinVar variation 5016991 (VCV005016991.1).

ClinVar aggregate classification (germline): Uncertain significance (1 of 4 stars; one submission).

Submission:

GeneDx
Classification: Uncertain significance. Last evaluated: 2026-03-23. Review status: criteria provided, single submitter. Criteria: GeneDx Variant Classification Process June 2021. Collection method: clinical testing. Allele origin: germline.
Comment: Not observed at significant frequency in large population cohorts (gnomAD); In silico analysis suggests that this missense variant does not alter protein structure/function; Has not been previously published as pathogenic or benign to our knowledge